The following is an entry in ClinVar:

NM_000059.4(BRCA2):c.8332-17T>C

Gene: BRCA2 (BRCA2 DNA repair associated; plus strand). Cytogenetic location: 13q13.1.
Variant type: single nucleotide variant.
Coding change: c.8332-17T>C on transcript NM_000059.4 (MANE Select); 17 bases into the intron before coding-DNA position 8332, T replaced by C.
Molecular consequence: intron variant.
Genome position (GRCh38, 1-based): chr13:32,370,385, T>C. VCF-style: chr13-32370385-T-C. GRCh37 (hg19) VCF-style: chr13-32944522-T-C.
Identifiers: ClinVar variation 381795 (VCV000381795.1), dbSNP rs1057521171, ClinGen allele CA16606447.

ClinVar aggregate classification (germline): Likely benign (1 of 4 stars; one submission).

Submission:

GeneDx
Classification: Likely benign. Last evaluated: 2015-11-19. Review status: criteria provided, single submitter. Criteria: GeneDx Variant Classification (06012015). Collection method: clinical testing. Allele origin: germline. Affected: yes.
Comment: This variant is considered likely benign or benign based on one or more of the following criteria: it is a conservative change, it occurs at a poorly conserved position in the protein, it is predicted to be benign by multiple in silico algorithms, and/or has population frequency not consistent with disease.